The following is an entry in ClinVar:

ClinVar aggregate classification (germline): Uncertain significance (1 of 4 stars; one submission).

Conditions:
Neurofibromatosis, type 1 (NF1). Also called: Peripheral type neurofibromatosis; VON RECKLINGHAUSEN DISEASE; NEUROFIBROMATOSIS, TYPE I, SOMATIC; Neurofibromatosis, type I. Identifiers: Orphanet 636, MedGen C0027831, MONDO:0018975, OMIM 162200. Disease mechanism: loss of function.

Submission:

Labcorp Genetics (formerly Invitae), Labcorp
Classification: Uncertain significance for Neurofibromatosis, type 1. Last evaluated: 2022-07-23. Review status: criteria provided, single submitter. Criteria: Invitae Variant Classification Sherloc (09022015). Collection method: clinical testing. Allele origin: germline.
Comment: In summary, the available evidence is currently insufficient to determine the role of this variant in disease. Therefore, it has been classified as a Variant of Uncertain Significance. Advanced modeling of protein sequence and biophysical properties (such as structural, functional, and spatial information, amino acid conservation, physicochemical variation, residue mobility, and thermodynamic stability) performed at Invitae indicates that this missense variant is expected to disrupt NF1 protein function. This variant has not been reported in the literature in individuals affected with NF1-related conditions. This variant is not present in population databases (gnomAD no frequency). This sequence change replaces valine, which is neutral and non-polar, with phenylalanine, which is neutral and non-polar, at codon 2230 of the NF1 protein (p.Val2230Phe).

NM_001042492.3(NF1):c.6751G>T (p.Val2251Phe)

Gene: NF1 (neurofibromin 1; plus strand). Cytogenetic location: 17q11.2.
Variant type: single nucleotide variant.
Coding change: c.6751G>T on transcript NM_001042492.3 (MANE Select); coding-DNA position 6751, G replaced by T.
Protein change: p.Val2251Phe; replaces valine 2251 with phenylalanine.
Molecular consequence: missense variant.
Genome position (GRCh38, 1-based): chr17:31,338,071, G>T. VCF-style: chr17-31338071-G-T. GRCh37 (hg19) VCF-style: chr17-29665089-G-T.
Other names: c.6688G>T, p.Val2230Phe (NM_000267.4); short protein forms V2230F, V2251F.
Identifiers: ClinVar variation 1713448 (VCV001713448.5), dbSNP rs2508759235, ClinGen allele CA399014079.